The following is an entry in ClinVar:

NM_001161352.2(KCNMA1):c.144TTC[1] (p.Ser58_Ser60del)

Gene: KCNMA1 (potassium calcium-activated channel subfamily M alpha 1; minus strand). Cytogenetic location: 10q22.3.
Variant type: Microsatellite.
Coding change: c.144TTC[1] on transcript NM_001161352.2 (MANE Select); one copy of the 3-base unit TTC starting at c.144; the reference has four copies in a row; three copies, 9 bases deleted.
Protein change: p.Ser58_Ser60del.
Molecular consequence: inframe deletion.
Genome position (GRCh38, 1-based): chr10:77,637,488-77,637,496, GAAGAAGAA deleted on the plus strand (TTCTTCTTC on the coding strand, the reverse complement: KCNMA1 is on the minus strand); deleting any 9 consecutive bases within chr10:77,637,488-77,637,501 gives the same sequence; the position shown is the placement nearest the transcript's 3' end. VCF-style (leftmost placement, unchanged base first): chr10-77637487-GGAAGAAGAA-G. GRCh37 (hg19) VCF-style: chr10-79397245-GGAAGAAGAA-G.
Other names: c.144TTC[1], p.Ser58_Ser60del (NM_001014797.3, NM_001161353.2, NM_001271518.2 and 12 more transcripts).
Identifiers: ClinVar variation 847075 (VCV000847075.13), dbSNP rs751901610, ClinGen allele CA916083149.

ClinVar aggregate classification (germline): Uncertain significance (1 of 4 stars; one submission).

Conditions:
Generalized epilepsy-paroxysmal dyskinesia syndrome (PNKD3). Also called: Generalized epilepsy and paroxysmal dyskinesia; Paroxysmal nonkinesigenic dyskinesia, 3, with or without generalized epilepsy. Identifiers: Orphanet 79137, MedGen C5574945, MONDO:0012276, OMIM 609446.

Submission:

Labcorp Genetics (formerly Invitae), Labcorp
Classification: Uncertain significance for Generalized epilepsy-paroxysmal dyskinesia syndrome. Last evaluated: 2025-09-14. Review status: criteria provided, single submitter. Criteria: Invitae Variant Classification Sherloc (09022015). Collection method: clinical testing. Allele origin: germline.
Comment: This variant, c.147_155del, results in the deletion of 3 amino acid(s) of the KCNMA1 protein (p.Ser58_Ser60del), but otherwise preserves the integrity of the reading frame. This variant is not present in population databases (gnomAD no frequency). This variant has not been reported in the literature in individuals affected with KCNMA1-related conditions. ClinVar contains an entry for this variant (Variation ID: 847075). Experimental studies and prediction algorithms are not available or were not evaluated, and the functional significance of this variant is currently unknown. In summary, the available evidence is currently insufficient to determine the role of this variant in disease. Therefore, it has been classified as a Variant of Uncertain Significance.